The following is an entry in ClinVar:

NM_001144950.2(SSC5D):c.1041C>T (p.Cys347=)

Gene: SSC5D (scavenger receptor cysteine rich family member with 5 domains; plus strand). Cytogenetic location: 19q13.42.
Variant type: single nucleotide variant.
Coding change: c.1041C>T on transcript NM_001144950.2 (MANE Select); coding-DNA position 1041, C replaced by T.
Protein change: p.Cys347=; no amino-acid change (cysteine 347 retained).
Molecular consequence: synonymous variant.
Genome position (GRCh38, 1-based): chr19:55,493,740, C>T. VCF-style: chr19-55493740-C-T. GRCh37 (hg19) VCF-style: chr19-56005107-C-T.
Other names: c.1041C>T, p.Cys347= (NM_001195267.2).
Identifiers: ClinVar variation 2650525 (VCV002650525.24), dbSNP rs1336519069, ClinGen allele CA509207092.

ClinVar aggregate classification (germline): Likely benign (1 of 4 stars; one submission).

Allele frequency attached by ClinVar (database versions not stated): TOPMed below 0.00001; gnomAD 0.00001.
gnomAD v4.1: 18 of 1,522,852 alleles (0.0012%); highest among the groups gnomAD compares: Middle Eastern, 0.018%; no homozygotes.

Submission:

CeGaT Center for Human Genetics Tuebingen
Classification: Likely benign. Last evaluated: 2022-11-01. Review status: criteria provided, single submitter. Criteria: CeGaT Center For Human Genetics Tuebingen Variant Classification Criteria Version 2. Collection method: clinical testing. Allele origin: germline. Affected: yes. Observed: 1 variant allele.
Comment: SSC5D: BP4, BP7